The following is an entry in ClinVar:

NM_001306084.2(CFAP54):c.-5T>A

Genes: CFAP54 (cilia and flagella associated protein 54; plus strand), LOC113939937 (Sharpr-MPRA regulatory region 2123; plus strand). Cytogenetic location: 12q23.1.
Variant type: single nucleotide variant.
Coding change: c.-5T>A on transcript NM_001306084.2 (MANE Select); 5 bases upstream of the start codon, T replaced by A.
Molecular consequence: 5 prime UTR variant.
Genome position (GRCh38, 1-based): chr12:96,489,605, T>A. VCF-style: chr12-96489605-T-A. GRCh37 (hg19) VCF-style: chr12-96883383-T-A.
Other names: c.-5T>A (NM_001367885.1).
Identifiers: ClinVar variation 5038660 (VCV005038660.1).

ClinVar aggregate classification (germline): Likely benign (1 of 4 stars; one submission).

gnomAD v4.1: 468 of 1,512,766 alleles (0.031%); highest among the groups gnomAD compares: South Asian, 0.47%; 4 homozygotes.

Submission:

CeGaT Center for Human Genetics Tuebingen
Classification: Likely benign. Last evaluated: 2026-08-01. Review status: criteria provided, single submitter. Criteria: CeGaT Center For Human Genetics Tuebingen Variant Classification Criteria Version 2. Collection method: clinical testing. Allele origin: germline. Affected: yes. Observed: 1 variant allele.
Comment: CFAP54: BP4